The following is an entry in ClinVar:

NM_053025.4(MYLK):c.5697G>A (p.Val1899=)

Genes: MYLK-AS1 (MYLK antisense RNA 1; plus strand), MYLK (myosin light chain kinase; minus strand). Cytogenetic location: 3q21.1.
Variant type: single nucleotide variant.
Coding change: c.5697G>A on transcript NM_053025.4 (MANE Select); coding-DNA position 5697, G replaced by A.
Protein change: p.Val1899=; no amino-acid change (valine 1899 retained).
Molecular consequence: synonymous variant.
Genome position (GRCh38, 1-based): chr3:123,614,153, C>T on the plus strand (G>A on the coding strand, the complement: MYLK is on the minus strand). VCF-style: chr3-123614153-C-T. GRCh37 (hg19) VCF-style: chr3-123333000-C-T.
Other names: c.5169G>A, p.Val1723= (NM_001321309.2); c.5490G>A, p.Val1830= (NM_053026.4); c.5544G>A, p.Val1848= (NM_053027.4); c.5337G>A, p.Val1779= (NM_053028.4); c.414G>A, p.Val138= (NM_053031.4); c.417G>A, p.Val139= (NM_053032.4).
Identifiers: ClinVar variation 1217297 (VCV001217297.6), dbSNP rs2107807094, ClinGen allele CA435431433.

ClinVar aggregate classification (germline): Likely benign. Review status: criteria provided, multiple submitters, no conflicts (2 of 4 stars). 3 submissions from 3 submitters: Likely benign (3). Last evaluated 2023-05-24.

Conditions:
Aortic aneurysm, familial thoracic 7 (AAT7). Also called: AORTIC DISSECTION, FAMILIAL, WITH OR WITHOUT AORTIC ANEURYSM. Identifiers: MedGen C3151077, MONDO:0013418, OMIM 613780.
Familial thoracic aortic aneurysm and aortic dissection (TAAD). Also called: Thoracic aortic aneurysms and dissections. Identifiers: Orphanet 91387, MedGen C4707243, MONDO:0019625.

Submissions (3):

Labcorp Genetics (formerly Invitae), Labcorp
Classification: Likely benign for Aortic aneurysm, familial thoracic 7. Last evaluated: 2023-05-24. Review status: criteria provided, single submitter. Criteria: Invitae Variant Classification Sherloc (09022015). Collection method: clinical testing. Allele origin: germline.

Women's Health and Genetics/Laboratory Corporation of America, LabCorp
Classification: Likely benign. Last evaluated: 2021-08-09. Review status: criteria provided, single submitter. Criteria: LabCorp Variant Classification Summary - May 2015. Collection method: clinical testing. Allele origin: germline.
Comment: Variant summary: MYLK c.5697G>A alters a conserved nucleotide resulting in a synonymous change. 4/4 computational tools predict no significant impact on normal splicing. However, these predictions have yet to be confirmed by functional studies. The variant was absent in 251386 control chromosomes (gnomAD). The available data on variant occurrences in the general population are insufficient to allow any conclusion about variant significance. To our knowledge, no occurrence of c.5697G>A in individuals affected with Thoracic Aortic Aneurysms and Dissections and no experimental evidence demonstrating its impact on protein function have been reported. No clinical diagnostic laboratories have submitted clinical-significance assessments for this variant to ClinVar after 2014. Based on the evidence outlined above, the variant was classified as likely benign.

Ambry Genetics
Classification: Likely benign for Familial thoracic aortic aneurysm and aortic dissection. Last evaluated: 2021-02-04. Review status: criteria provided, single submitter. Criteria: Ambry Variant Classification Scheme 2023. Collection method: clinical testing. Allele origin: germline.